The following is an entry in ClinVar:

NM_003183.6(ADAM17):c.46C>G (p.Leu16Val)

Gene: ADAM17 (ADAM metallopeptidase domain 17; minus strand). Cytogenetic location: 2p25.1.
Variant type: single nucleotide variant.
Coding change: c.46C>G on transcript NM_003183.6 (MANE Select); coding-DNA position 46, C replaced by G.
Protein change: p.Leu16Val; replaces leucine 16 with valine.
Molecular consequence: missense variant.
Genome position (GRCh38, 1-based): chr2:9,555,560, G>C on the plus strand (C>G on the coding strand, the complement: ADAM17 is on the minus strand). VCF-style: chr2-9555560-G-C. GRCh37 (hg19) VCF-style: chr2-9695689-G-C.
Other names: c.46C>G, p.Leu16Val (LRG_1203t1); short protein forms L16V.
Identifiers: ClinVar variation 577404 (VCV000577404.9), dbSNP rs768569416, ClinGen allele CA1523891.

ClinVar aggregate classification (germline): Uncertain significance. Review status: criteria provided, multiple submitters, no conflicts (2 of 4 stars). 2 submissions from 2 submitters: Uncertain significance (2). Last evaluated 2026-03-04.

Conditions:
Inflammatory skin and bowel disease, neonatal, 1. Identifiers: Orphanet 294023, MedGen C3280501, MONDO:0013693, OMIM 614328.

Allele frequency attached by ClinVar (database versions not stated): TOPMed 0.00004; gnomAD exomes 0.00011; ExAC 0.00052.
gnomAD v4.1: 107 of 1,602,444 alleles (0.0067%); highest among the groups gnomAD compares: Non-Finnish European, 0.0074%; no homozygotes.

Submissions (2):

Women's Health and Genetics/Laboratory Corporation of America, LabCorp
Classification: Uncertain significance. Last evaluated: 2026-03-04. Review status: criteria provided, single submitter. Criteria: LabCorp Variant Classification Summary - May 2015. Collection method: clinical testing. Allele origin: germline.
Comment: Variant summary: ADAM17 c.46C>G (p.Leu16Val) results in a conservative amino acid change in the encoded protein sequence. Algorithms developed to predict the effect of missense changes on protein structure and function all suggest that this variant is likely to be tolerated. The variant allele was found at a frequency of 0.00011 in 226900 control chromosomes. This frequency is not significantly higher than estimated for disease-causing variants in ADAM17, allowing no conclusion about variant significance. To our knowledge, no occurrence of c.46C>G in individuals affected with ADAM17-related conditions and no experimental evidence demonstrating its impact on protein function have been reported. ClinVar contains an entry for this variant (Variation ID: 577404). Based on the evidence outlined above, the variant was classified as uncertain significance.

Labcorp Genetics (formerly Invitae), Labcorp
Classification: Uncertain significance for Inflammatory skin and bowel disease, neonatal, 1. Last evaluated: 2022-03-16. Review status: criteria provided, single submitter. Criteria: Invitae Variant Classification Sherloc (09022015). Collection method: clinical testing. Allele origin: germline.
Comment: This sequence change replaces leucine, which is neutral and non-polar, with valine, which is neutral and non-polar, at codon 16 of the ADAM17 protein (p.Leu16Val). This variant is present in population databases (rs768569416, gnomAD 0.02%). This variant has not been reported in the literature in individuals affected with ADAM17-related conditions. ClinVar contains an entry for this variant (Variation ID: 577404). Algorithms developed to predict the effect of missense changes on protein structure and function are either unavailable or do not agree on the potential impact of this missense change (SIFT: "Not Available"; PolyPhen-2: "Benign"; Align-GVGD: "Not Available"). In summary, the available evidence is currently insufficient to determine the role of this variant in disease. Therefore, it has been classified as a Variant of Uncertain Significance.